The following is an entry in ClinVar:

NM_000376.3(VDR):c.1014C>T (p.Ile338=)

Gene: VDR (vitamin D receptor; minus strand). Cytogenetic location: 12q13.11.
Variant type: single nucleotide variant.
Coding change: c.1014C>T on transcript NM_000376.3 (MANE Select); coding-DNA position 1014, C replaced by T.
Protein change: p.Ile338=; no amino-acid change (isoleucine 338 retained).
Molecular consequence: synonymous variant.
Genome position (GRCh38, 1-based): chr12:47,846,345, G>A on the plus strand (C>T on the coding strand, the complement: VDR is on the minus strand). VCF-style: chr12-47846345-G-A. GRCh37 (hg19) VCF-style: chr12-48240128-G-A.
Other names: c.1014C>T, p.Ile338= (NM_001017535.2, NM_001364085.2, NM_001374661.1 and 1 more transcripts); c.1164C>T, p.Ile388= (NM_001017536.2); c.1014C>T (NM_001017535.1).
Identifiers: ClinVar variation 1924573 (VCV001924573.7), dbSNP rs750175824, ClinGen allele CA6533803.
Genomic context (GRCh38, chr12:47,846,345, plus strand): 5'-ATACTCCCCGCTCCCCAGGTCCCTGAGCTCCTCCCTGCCTGGCCCCATACCTGGGGAGAC[G>A]ATGCAGATGGCCATGAGCAGGACATGCTCCTCCTCATGCAAGTTCAGCTTCTTCAGTCCC-3'
Protein context (NP_000367.1, residues 328-348): EEHVLLMAIC[Ile338=]VSPDRPGVQD

ClinVar aggregate classification (germline): Likely benign. Review status: criteria provided, multiple submitters, no conflicts (2 of 4 stars). 3 submissions from 3 submitters: Likely benign (3). Last evaluated 2026-09-01.

Conditions:
VDR-related disorder. Also called: VDR-related condition.

Allele frequency attached by ClinVar (database versions not stated): gnomAD exomes 0.00003; ExAC 0.00004.

Submissions (3):

CeGaT Center for Human Genetics Tuebingen
Classification: Likely benign. Last evaluated: 2026-09-01. Review status: criteria provided, single submitter. Criteria: CeGaT Center For Human Genetics Tuebingen Variant Classification Criteria Version 2. Collection method: clinical testing. Allele origin: germline. Affected: yes. Observed: 1 variant allele.
Comment: VDR: BP4, BP7

PreventionGenetics, part of Exact Sciences
Classification: Likely benign for VDR-related condition. Last evaluated: 2026-08-31. Review status: criteria provided, single submitter. Criteria: ACMG Guidelines, 2015. Collection method: clinical testing. Allele origin: germline.
Comment: This variant is classified as likely benign based on ACMG/AMP sequence variant interpretation guidelines (Richards et al. 2015 PMID: 25741868, with internal and published modifications).

Labcorp Genetics (formerly Invitae), Labcorp
Classification: Likely benign. Last evaluated: 2024-09-26. Review status: criteria provided, single submitter. Criteria: Invitae Variant Classification Sherloc (09022015). Collection method: clinical testing. Allele origin: germline.